The following is an entry in ClinVar:

NM_002437.5(MPV17):c.388G>C (p.Ala130Pro)

Gene: MPV17 (mitochondrial inner membrane protein MPV17; minus strand). Cytogenetic location: 2p23.3.
Variant type: single nucleotide variant.
Coding change: c.388G>C on transcript NM_002437.5 (MANE Select); coding-DNA position 388, G replaced by C.
Protein change: p.Ala130Pro; replaces alanine 130 with proline.
Molecular consequence: missense variant.
Genome position (GRCh38, 1-based): chr2:27,312,234, C>G on the plus strand (G>C on the coding strand, the complement: MPV17 is on the minus strand). VCF-style: chr2-27312234-C-G. GRCh37 (hg19) VCF-style: chr2-27535102-C-G.
Other names: short protein forms A130P.
Identifiers: ClinVar variation 1339192 (VCV001339192.4), dbSNP rs1382428056, ClinGen allele CA346207535.

ClinVar aggregate classification (germline): Conflicting classifications of pathogenicity. Review status: criteria provided, conflicting classifications (1 of 4 stars). 2 submissions from 2 submitters: Likely pathogenic (1); Uncertain significance (1). Last evaluated 2024-08-26.

Conditions:
Mitochondrial DNA depletion syndrome 6 (hepatocerebral type). Also called: NAVAJO NEUROPATHY; Navajo neurohepatopathy; Mitochondrial DNA depletion syndrome type 6. Identifiers: Orphanet 255229, MedGen C1850406, MONDO:0009747, OMIM 256810.

gnomAD v4.1: 2 of 1,614,130 alleles (0.00012%); highest among the groups gnomAD compares: South Asian, 0.0022%; no homozygotes.

Submissions (2):

Women's Health and Genetics/Laboratory Corporation of America, LabCorp
Classification: Uncertain significance. Last evaluated: 2024-08-26. Review status: criteria provided, single submitter. Criteria: LabCorp Variant Classification Summary - May 2015. Collection method: clinical testing. Allele origin: germline.
Comment: Variant summary: MPV17 c.388G>C (p.Ala130Pro) results in a non-conservative amino acid change in the encoded protein sequence. Three of five in-silico tools predict a damaging effect of the variant on protein function. The variant allele was found at a frequency of 4e-06 in 251490 control chromosomes. c.388G>C has been reported in the literature in at-least one homozygous individual affected with Mitochondrial DNA Depletion Syndrome - MPV17 Related (example: Samantha_2023). These data indicate that the variant may be associated with disease. To our knowledge, no experimental evidence demonstrating an impact on protein function has been reported. The following publication has been ascertained in the context of this evaluation (PMID: 36753038). ClinVar contains an entry for this variant (Variation ID: 1339192). Based on the evidence outlined above, the variant was classified as VUS-possibly pathogenic.

Neuberg Centre For Genomic Medicine, NCGM
Classification: Likely pathogenic for Mitochondrial DNA depletion syndrome 6 (hepatocerebral type). Last evaluated: 2023-05-20. Review status: criteria provided, single submitter. Criteria: ACMG Guidelines, 2015. Collection method: clinical testing. Allele origin: germline. Inheritance: Autosomal recessive inheritance. Affected: yes.
Comment: The missense c.388G>C (p.Ala130Pro) variant in the MPV17 gene has been reported previously in MPV17 mutation–related mitochondrial DNA depletion syndrome (Samanta, Arghya et al., 2023) .The variant has been reported with allele frequency of 0.0003% in gnomAD Exomes. It is submitted to ClinVar as Uncertain Significance. This gene that has a low rate of benign missense variation and in which missense variants are a common mechanism of disease. The amino acid Alanine at position 130 is changed to a Proline changing protein sequence and it might alter its composition and physico-chemical properties. Computational evidence (Polyphen - Damaging, SIFT - Tolerated and MutationTaster - Disease causing) predicts conflicting evidence on protein structure and function for this variant. The amino acid change p.Ala130Pro in MPV17 is predicted as conserved by GERP++ and PhyloP across 100 vertebrates. Functional studies are required to prove the pathogenicity of the variant. For these reasons, this variant has been classified as Likely pathogenic.

Literature cited by the submitters: PubMed 36753038 (cited by Women's Health and Genetics/Laboratory Corporation of America, LabCorp).